The following is an entry in ClinVar:

ClinVar aggregate classification (germline): Uncertain significance (1 of 4 stars; one submission).

Conditions:
Familial adenomatous polyposis 1 (FAP1). Also called: POLYPOSIS, ADENOMATOUS INTESTINAL; FAMILIAL ADENOMATOUS POLYPOSIS 1, ATTENUATED. Identifiers: MedGen C2713442, MONDO:0021056, OMIM 175100. Disease mechanism: loss of function.

Submission:

Labcorp Genetics (formerly Invitae), Labcorp
Classification: Uncertain significance for Familial adenomatous polyposis 1. Last evaluated: 2020-01-16. Review status: criteria provided, single submitter. Criteria: Invitae Variant Classification Sherloc (09022015). Collection method: clinical testing. Allele origin: germline.
Comment: This sequence change replaces proline with leucine at codon 1268 of the APC protein (p.Pro1268Leu). The proline residue is highly conserved and there is a moderate physicochemical difference between proline and leucine. This variant is not present in population databases (ExAC no frequency). This variant has not been reported in the literature in individuals with APC-related conditions. Algorithms developed to predict the effect of missense changes on protein structure and function (SIFT, PolyPhen-2, Align-GVGD) all suggest that this variant is likely to be disruptive, but these predictions have not been confirmed by published functional studies and their clinical significance is uncertain. In summary, the available evidence is currently insufficient to determine the role of this variant in disease. Therefore, it has been classified as a Variant of Uncertain Significance.

NM_000038.6(APC):c.3803C>T (p.Pro1268Leu)

Gene: APC (APC regulator of Wnt signaling pathway; plus strand). Cytogenetic location: 5q22.2.
Variant type: single nucleotide variant.
Coding change: c.3803C>T on transcript NM_000038.6 (MANE Select); coding-DNA position 3803, C replaced by T.
Protein change: p.Pro1268Leu; replaces proline 1268 with leucine.
Molecular consequence: missense variant.
Genome position (GRCh38, 1-based): chr5:112,839,397, C>T. VCF-style: chr5-112839397-C-T. GRCh37 (hg19) VCF-style: chr5-112175094-C-T.
Other names: c.3803C>T, p.Pro1268Leu (NM_001127510.3, NM_001354895.2); c.3749C>T, p.Pro1250Leu (NM_001127511.3); c.3857C>T, p.Pro1286Leu (NM_001354896.2); c.3833C>T, p.Pro1278Leu (NM_001354897.2); c.3728C>T, p.Pro1243Leu (NM_001354898.2); c.3719C>T, p.Pro1240Leu (NM_001354899.2); c.3680C>T, p.Pro1227Leu (NM_001354900.2); c.3626C>T, p.Pro1209Leu (NM_001354901.2); and 5 more; short protein forms P1108L, P1142L, P1167L, P1177L, P1243L, P1250L, P1278L, P1286L.
Identifiers: ClinVar variation 859381 (VCV000859381.49), dbSNP rs1765525514, ClinGen allele CA16029678.